The following is an entry in ClinVar:

ClinVar aggregate classification (germline): Likely benign (0 of 4 stars; one submission).

Conditions:
CD4-related disorder. Also called: CD4-related condition.

Allele frequency attached by ClinVar (database versions not stated): gnomAD exomes 0.00011; ExAC 0.00045; ESP Exome Variant Server 0.00085; 1000 Genomes Project 0.00140; 1000 Genomes Project 30x 0.00141; TOPMed 0.00142; gnomAD 0.00145.
gnomAD v4.1: 391 of 1,605,604 alleles (0.024%); highest among the groups gnomAD compares: African/African-American, 0.41%; 1 homozygote.

Submission:

PreventionGenetics, part of Exact Sciences
Classification: Likely benign for CD4-related condition. Last evaluated: 2019-11-16. Review status: no assertion criteria provided. Collection method: clinical testing. Allele origin: germline.
Comment: This variant is classified as likely benign based on ACMG/AMP sequence variant interpretation guidelines (Richards et al. 2015 PMID: 25741868, with internal and published modifications).

NM_000616.5(CD4):c.1080G>A (p.Val360=)

Gene: CD4 (CD4 molecule; plus strand). Cytogenetic location: 12p13.31.
Variant type: single nucleotide variant.
Coding change: c.1080G>A on transcript NM_000616.5 (MANE Select); coding-DNA position 1080, G replaced by A.
Protein change: p.Val360=; no amino-acid change (valine 360 retained).
Molecular consequence: synonymous variant.
Genome position (GRCh38, 1-based): chr12:6,817,254, G>A. VCF-style: chr12-6817254-G-A. GRCh37 (hg19) VCF-style: chr12-6926420-G-A.
Other names: c.543G>A, p.Val181= (NM_001195014.3); c.261G>A, p.Val87= (NM_001195015.3, NM_001195016.3, NM_001195017.3 and 2 more transcripts); c.1080G>A, p.Val360= (NM_001382707.1); c.915G>A, p.Val305= (NM_001382714.1).
Identifiers: ClinVar variation 3048523 (VCV003048523.2), dbSNP rs34841304, ClinGen allele CA6415966.